The following is an entry in ClinVar:

ClinVar aggregate classification (germline): Uncertain significance (1 of 4 stars; one submission).

Conditions:
Primary familial hypertrophic cardiomyopathy (HCM). Identifiers: Orphanet 99739, MedGen C0949658, MeSH D024741, MONDO:0024573. Inheritance: Various modes of inheritance.

Allele frequency attached by ClinVar (database versions not stated): gnomAD exomes below 0.00001 and 0.00001; ExAC 0.00002.

Submission:

Labcorp Genetics (formerly Invitae), Labcorp
Classification: Uncertain significance for Primary familial hypertrophic cardiomyopathy. Last evaluated: 2020-02-18. Review status: criteria provided, single submitter. Criteria: Invitae Variant Classification Sherloc (09022015). Collection method: clinical testing. Allele origin: germline.
Comment: This sequence change replaces asparagine with serine at codon 12 of the ILK protein (p.Asn12Ser). The asparagine residue is highly conserved and there is a small physicochemical difference between asparagine and serine. This variant is present in population databases (rs765978022, ExAC 0.004%). This variant has not been reported in the literature in individuals with ILK-related conditions. Algorithms developed to predict the effect of missense changes on protein structure and function are either unavailable or do not agree on the potential impact of this missense change (SIFT: "Deleterious"; PolyPhen-2: "Probably Damaging"; Align-GVGD: "Class C0"). In summary, the available evidence is currently insufficient to determine the role of this variant in disease. Therefore, it has been classified as a Variant of Uncertain Significance.

NM_004517.4(ILK):c.35A>G (p.Asn12Ser)

Genes: ILK (integrin linked kinase; plus strand), LOC130005201 (ATAC-STARR-seq lymphoblastoid active region 4345; plus strand). Cytogenetic location: 11p15.4.
Variant type: single nucleotide variant.
Coding change: c.35A>G on transcript NM_004517.4 (MANE Select); coding-DNA position 35, A replaced by G.
Protein change: p.Asn12Ser; replaces asparagine 12 with serine.
Molecular consequence: missense variant. On other transcripts: 5 prime UTR variant (1).
Genome position (GRCh38, 1-based): chr11:6,604,306, A>G. VCF-style: chr11-6604306-A-G. GRCh37 (hg19) VCF-style: chr11-6625536-A-G.
Other names: c.35A>G, p.Asn12Ser (NM_001014794.3, NM_001014795.3, NM_001278441.2); c.-202A>G (NM_001278442.2); short protein forms N12S.
Identifiers: ClinVar variation 1055841 (VCV001055841.11), dbSNP rs765978022, ClinGen allele CA5857910.